The following is an entry in ClinVar:

ClinVar aggregate classification (germline): Pathogenic (1 of 4 stars; one submission).

Conditions:
Hereditary cancer-predisposing syndrome. Also called: Hereditary neoplastic syndrome; Neoplastic Syndromes, Hereditary; Tumor predisposition; Hereditary Cancer Syndrome. Identifiers: Orphanet 140162, MedGen C0027672, MeSH D009386, MONDO:0015356.
Cardiovascular phenotype. Identifiers: MedGen CN230736.

Submission:

Ambry Genetics
Classification: Pathogenic for Cardiovascular phenotype; Hereditary cancer-predisposing syndrome. Last evaluated: 2025-01-08. Review status: criteria provided, single submitter. Criteria: Ambry Variant Classification Scheme 2023. Collection method: clinical testing. Allele origin: germline.
Comment: The c.2198dupA pathogenic mutation, located in coding exon 18 of the LZTR1 gene, results from a duplication of A at nucleotide position 2198, causing a translational frameshift with a predicted alternate stop codon (p.N733Kfs*49). This variant is considered to be rare based on population cohorts in the Genome Aggregation Database (gnomAD). This alteration is expected to result in loss of function by premature protein truncation or nonsense-mediated mRNA decay. Loss-of-function variants in LZTR1 are related to an increased risk for schwannomas and autosomal recessive Noonan syndrome; however, such associations with autosomal dominant Noonan syndrome have not been observed (Piotrowski A et al. Nat Genet. 2014 Feb;46:182-7; Yamamoto GL et al. J Med Genet. 2015 Jun;52:413-21; Johnston JJ et al. Genet Med. 2018 10;20:1175-1185). Based on the supporting evidence, this variant is pathogenic for an increased risk of LZTR1-related schwannomatosis (SWN) and would be expected to cause autosomal recessive Noonan syndrome when present along with a second pathogenic or likely pathogenic variant on the other allele; however, the association of this alteration with autosomal dominant Noonan syndrome is unlikely.

NM_006767.4(LZTR1):c.2198dup (p.Asn733fs)

Gene: LZTR1 (leucine zipper like post translational regulator 1; plus strand). Cytogenetic location: 22q11.21.
Variant type: Duplication.
Coding change: c.2198dup on transcript NM_006767.4 (MANE Select); coding-DNA position 2198, one base duplicated (A; older notation c.2198dupA).
Protein change: p.Asn733fs; shifts the reading frame from asparagine 733.
Molecular consequence: frameshift variant.
Genome position (GRCh38, 1-based): chr22:20,996,091, A duplicated; the last of 2 consecutive A bases (chr22:20,996,090-20,996,091); duplicating either gives the same sequence. VCF-style (leftmost placement, unchanged base first): chr22-20996089-C-CA. GRCh37 (hg19) VCF-style: chr22-21350378-C-CA.
Other names: short protein forms N733fs.
Identifiers: ClinVar variation 3869271 (VCV003869271.1).
Genomic context (GRCh38, chr22:20,996,089, plus strand): 5'-GATGGTGCCCAGCAGGCAGGCCTTCGAGTCCATGCTGCGCTACATCTACTACGGCGAGGT[C>CA]AACATGCCGCCCGAGGACTCGCTGCATCCTCACTCCCCAGTGAACTCCCAGGTCCCCACC-3'